The following is an entry in ClinVar:

ClinVar aggregate classification (germline): Uncertain significance (1 of 4 stars; one submission).

Conditions:
Brugada syndrome 5 (BRGDA5). Identifiers: Orphanet 130, Orphanet 871, MedGen C2748541, MONDO:0013015, OMIM 612838.

Allele frequency attached by ClinVar (database versions not stated): gnomAD exomes below 0.00001; TOPMed 0.00001.
gnomAD v4.1: 2 of 1,549,564 alleles (0.00013%); highest among the groups gnomAD compares: Middle Eastern, 0.017%; no homozygotes.

Submission:

Labcorp Genetics (formerly Invitae), Labcorp
Classification: Uncertain significance for Brugada syndrome 5. Last evaluated: 2024-09-18. Review status: criteria provided, single submitter. Criteria: Invitae Variant Classification Sherloc (09022015). Collection method: clinical testing. Allele origin: germline.
Comment: This sequence change replaces methionine, which is neutral and non-polar, with valine, which is neutral and non-polar, at codon 238 of the SCN1B protein (p.Met238Val). This variant is not present in population databases (gnomAD no frequency). This variant has not been reported in the literature in individuals affected with SCN1B-related conditions. ClinVar contains an entry for this variant (Variation ID: 1972223). An algorithm developed to predict the effect of missense changes on protein structure and function outputs the following: PolyPhen-2: "Benign". The valine amino acid residue is found in multiple mammalian species, which suggests that this missense change does not adversely affect protein function. In summary, the available evidence is currently insufficient to determine the role of this variant in disease. Therefore, it has been classified as a Variant of Uncertain Significance.

NM_001037.5(SCN1B):c.448+264A>G

Gene: SCN1B (sodium voltage-gated channel beta subunit 1; plus strand). Cytogenetic location: 19q13.11.
Variant type: single nucleotide variant.
Coding change: c.448+264A>G on transcript NM_001037.5 (MANE Select); 264 bases into the intron after coding-DNA position 448, A replaced by G.
Molecular consequence: intron variant. On other transcripts: missense variant (1).
Genome position (GRCh38, 1-based): chr19:35,034,003, A>G. VCF-style: chr19-35034003-A-G. GRCh37 (hg19) VCF-style: chr19-35524907-A-G.
Other names: c.712A>G, p.Met238Val (NM_199037.5); c.349+264A>G (NM_001321605.2); short protein forms M238V.
Identifiers: ClinVar variation 1972223 (VCV001972223.5), dbSNP rs1406594854, ClinGen allele CA405329696.